The following is an entry in ClinVar:

NM_015910.7(WDPCP):c.755G>A (p.Trp252Ter)

Gene: WDPCP (WD repeat containing planar cell polarity effector; minus strand). Cytogenetic location: 2p15.
Variant type: single nucleotide variant.
Coding change: c.755G>A on transcript NM_015910.7 (MANE Select); coding-DNA position 755, G replaced by A.
Protein change: p.Trp252Ter; replaces tryptophan 252 with a stop codon.
Molecular consequence: nonsense. On other transcripts: non-coding transcript variant (3).
Genome position (GRCh38, 1-based): chr2:63,433,815, C>T on the plus strand (G>A on the coding strand, the complement: WDPCP is on the minus strand). VCF-style: chr2-63433815-C-T. GRCh37 (hg19) VCF-style: chr2-63660949-C-T.
Other names: c.278G>A, p.Trp93Ter (NM_001042692.3); c.683G>A, p.Trp228Ter (NM_001354044.2); c.755G>A, p.Trp252Ter (NM_001354045.2); short protein forms W228*, W93*, W252*.
Identifiers: ClinVar variation 1451557 (VCV001451557.7), dbSNP rs2105466704, ClinGen allele CA347062470.

ClinVar aggregate classification (germline): Pathogenic/Likely pathogenic. Review status: criteria provided, multiple submitters, no conflicts (2 of 4 stars). 2 submissions from 2 submitters: Pathogenic (1); Likely pathogenic (1). Last evaluated 2024-04-29.

Conditions:
Bardet-Biedl syndrome 15 (BBS15). Identifiers: Orphanet 110, MedGen C3150127, MONDO:0014443, OMIM 615992.
Heart defect - tongue hamartoma - polysyndactyly syndrome. Also called: Congenital heart defects, hamartomas of tongue, and polysyndactyly. Identifiers: Orphanet 1338, MedGen C1857587, MONDO:0009008, OMIM 217085.
Bardet-Biedl syndrome (BBS). Identifiers: Orphanet 110, MedGen C0752166, MONDO:0015229.

Submissions (2):

Fulgent Genetics
Classification: Likely pathogenic for Heart defect - tongue hamartoma - polysyndactyly syndrome; Bardet-Biedl syndrome 15. Last evaluated: 2024-04-29. Review status: criteria provided, single submitter. Criteria: ACMG Guidelines, 2015. Collection method: clinical testing. Allele origin: germline.

Labcorp Genetics (formerly Invitae), Labcorp
Classification: Pathogenic for Bardet-Biedl syndrome. Last evaluated: 2021-07-11. Review status: criteria provided, single submitter. Criteria: Invitae Variant Classification Sherloc (09022015). Collection method: clinical testing. Allele origin: germline.
Comment: For these reasons, this variant has been classified as Pathogenic. This sequence change creates a premature translational stop signal (p.Trp252*) in the WDPCP gene. It is expected to result in an absent or disrupted protein product. Loss-of-function variants in WDPCP are known to be pathogenic (PMID: 20671153, 25427950, 27158779). This variant is not present in population databases (ExAC no frequency). This variant has not been reported in the literature in individuals affected with WDPCP-related conditions. Algorithms developed to predict the effect of sequence changes on RNA splicing suggest that this variant may create or strengthen a splice site.

Literature cited by the submitters: PubMed 20671153 (cited by Labcorp Genetics (formerly Invitae), Labcorp); PubMed 25427950 (cited by Labcorp Genetics (formerly Invitae), Labcorp); PubMed 27158779 (cited by Labcorp Genetics (formerly Invitae), Labcorp).